The following is an entry in ClinVar:

ClinVar aggregate classification (germline): Uncertain significance (1 of 4 stars; one submission).

Submission:

GeneDx
Classification: Uncertain significance. Last evaluated: 2019-04-12. Review status: criteria provided, single submitter. Criteria: GeneDx Variant Classification Process June 2021. Collection method: clinical testing. Allele origin: germline. Affected: yes.
Comment: Has not been previously published as pathogenic or benign to our knowledge; Not observed in large population cohorts (Lek et al., 2016); In silico analysis, which includes protein predictors and evolutionary conservation, supports that this variant does not alter protein structure/function

NM_001905.4(CTPS1):c.1721G>C (p.Ser574Thr)

Gene: CTPS1 (CTP synthase 1; plus strand). Cytogenetic location: 1p34.2.
Variant type: single nucleotide variant.
Coding change: c.1721G>C on transcript NM_001905.4 (MANE Select); coding-DNA position 1721, G replaced by C.
Protein change: p.Ser574Thr; replaces serine 574 with threonine.
Molecular consequence: missense variant. On other transcripts: non-coding transcript variant (1).
Genome position (GRCh38, 1-based): chr1:41,010,190, G>C. VCF-style: chr1-41010190-G-C. GRCh37 (hg19) VCF-style: chr1-41475862-G-C.
Other names: c.1253G>C, p.Ser418Thr (NM_001301237.2); short protein forms S418T, S574T.
Identifiers: ClinVar variation 1302264 (VCV001302264.2), dbSNP rs2148422065, ClinGen allele CA339906989.